The following is an entry in ClinVar:

ClinVar aggregate classification (germline): Uncertain significance (1 of 4 stars; one submission).

Conditions:
Inborn genetic diseases. Identifiers: MedGen C0950123, MeSH D030342.

Submission:

Ambry Genetics
Classification: Uncertain significance for Inborn genetic diseases. Last evaluated: 2025-10-26. Review status: criteria provided, single submitter. Criteria: Ambry Variant Classification Scheme 2023. Collection method: clinical testing. Allele origin: germline.
Comment: The p.I984T variant (also known as c.2951T>C), located in coding exon 1 of the SAMD9 gene, results from a T to C substitution at nucleotide position 2951. The isoleucine at codon 984 is replaced by threonine, an amino acid with similar properties. This amino acid position is conserved. In addition, this alteration is predicted to be tolerated by in silico analysis. Based on the available evidence, the clinical significance of this variant remains unclear.

NM_017654.4(SAMD9):c.2951T>C (p.Ile984Thr)

Gene: SAMD9 (sterile alpha motif domain containing 9; minus strand). Cytogenetic location: 7q21.2.
Variant type: single nucleotide variant.
Coding change: c.2951T>C on transcript NM_017654.4 (MANE Select); coding-DNA position 2951, T replaced by C.
Protein change: p.Ile984Thr; replaces isoleucine 984 with threonine.
Molecular consequence: missense variant.
Genome position (GRCh38, 1-based): chr7:93,103,147, A>G on the plus strand (T>C on the coding strand, the complement: SAMD9 is on the minus strand). VCF-style: chr7-93103147-A-G. GRCh37 (hg19) VCF-style: chr7-92732460-A-G.
Other names: c.2951T>C, p.Ile984Thr (NM_001193307.2); short protein forms I984T.
Identifiers: ClinVar variation 4629901 (VCV004629901.1).